The following is an entry in ClinVar:

NM_000701.8(ATP1A1):c.388-8C>T

Gene: ATP1A1 (ATPase Na+/K+ transporting subunit alpha 1; plus strand). Cytogenetic location: 1p13.1.
Variant type: single nucleotide variant.
Coding change: c.388-8C>T on transcript NM_000701.8 (MANE Select); 8 bases into the intron before coding-DNA position 388, C replaced by T.
Molecular consequence: intron variant.
Genome position (GRCh38, 1-based): chr1:116,388,123, C>T. VCF-style: chr1-116388123-C-T. GRCh37 (hg19) VCF-style: chr1-116930745-C-T.
Other names: c.388-8C>T (NM_001160233.2); c.295-8C>T (NM_001160234.2).
Identifiers: ClinVar variation 3341771 (VCV003341771.16).

ClinVar aggregate classification (germline): Uncertain significance (1 of 4 stars; one submission).

Submission:

CeGaT Center for Human Genetics Tuebingen
Classification: Uncertain significance. Last evaluated: 2024-08-01. Review status: criteria provided, single submitter. Criteria: CeGaT Center For Human Genetics Tuebingen Variant Classification Criteria Version 2. Collection method: clinical testing. Allele origin: germline. Affected: yes. Observed: 1 variant allele.
Comment: ATP1A1: PM2, BP4